The following is an entry in ClinVar:

ClinVar aggregate classification (germline): Pathogenic (1 of 4 stars; one submission).

Submission:

Labcorp Genetics (formerly Invitae), Labcorp
Classification: Pathogenic. Last evaluated: 2022-06-05. Review status: criteria provided, single submitter. Criteria: Invitae Variant Classification Sherloc (09022015). Collection method: clinical testing. Allele origin: germline.
Comment: This variant has not been reported in the literature in individuals affected with CDHR1-related conditions. For these reasons, this variant has been classified as Pathogenic. This variant is not present in population databases (gnomAD no frequency). This sequence change creates a premature translational stop signal (p.Leu41Valfs*22) in the CDHR1 gene. It is expected to result in an absent or disrupted protein product. Loss-of-function variants in CDHR1 are known to be pathogenic (PMID: 23044944, 23591405, 26103963, 26261414).

Literature cited by the submitters: PubMed 23044944; PubMed 23591405; PubMed 26103963; PubMed 26261414.

NM_033100.4(CDHR1):c.121_122del (p.Leu41fs)

Gene: CDHR1 (cadherin related family member 1; plus strand). Cytogenetic location: 10q23.1.
Variant type: Microsatellite.
Coding change: c.121_122del on transcript NM_033100.4 (MANE Select); coding-DNA positions 121 to 122, 2 bases deleted (CT; older notation c.121_122delCT).
Protein change: p.Leu41fs; shifts the reading frame from leucine 41.
Molecular consequence: frameshift variant.
Genome position (GRCh38, 1-based): chr10:84,195,559-84,195,560, CT deleted; deleting any 2 consecutive bases within chr10:84,195,557-84,195,560 gives the same sequence; the c. name uses the placement nearest the transcript's 3' end. VCF-style (leftmost placement, unchanged base first): chr10-84195556-GCT-G. GRCh37 (hg19) VCF-style: chr10-85955312-GCT-G.
Other names: c.121_122del, p.Leu41fs (NM_001171971.3); short protein forms L41fs.
Identifiers: ClinVar variation 1949981 (VCV001949981.5), dbSNP rs1842014834, ClinGen allele CA1924444412.